The following is an entry in ClinVar:

NM_181776.3(SLC36A2):c.931A>G (p.Ile311Val)

Gene: SLC36A2 (solute carrier family 36 member 2; minus strand). Cytogenetic location: 5q33.1.
Variant type: single nucleotide variant.
Coding change: c.931A>G on transcript NM_181776.3 (MANE Select); coding-DNA position 931, A replaced by G.
Protein change: p.Ile311Val; replaces isoleucine 311 with valine.
Molecular consequence: missense variant.
Genome position (GRCh38, 1-based): chr5:151,325,365, T>C on the plus strand (A>G on the coding strand, the complement: SLC36A2 is on the minus strand). VCF-style: chr5-151325365-T-C. GRCh37 (hg19) VCF-style: chr5-150704926-T-C.
Other names: short protein forms I311V.
Identifiers: ClinVar variation 4760541 (VCV004760541.1).

ClinVar aggregate classification (germline): Uncertain significance (1 of 4 stars; one submission).

gnomAD v4.1: 1 of 1,614,146 alleles (0.000062%); highest among the groups gnomAD compares: Non-Finnish European, 0.000085%; no homozygotes.

Submission:

Labcorp Genetics (formerly Invitae), Labcorp
Classification: Uncertain significance. Last evaluated: 2025-02-16. Review status: criteria provided, single submitter. Criteria: Invitae Variant Classification Sherloc (09022015). Collection method: clinical testing. Allele origin: germline.
Comment: This sequence change replaces isoleucine, which is neutral and non-polar, with valine, which is neutral and non-polar, at codon 311 of the SLC36A2 protein (p.Ile311Val). This variant is not present in population databases (gnomAD no frequency). This variant has not been reported in the literature in individuals affected with SLC36A2-related conditions. Invitae Evidence Modeling of protein sequence and biophysical properties (such as structural, functional, and spatial information, amino acid conservation, physicochemical variation, residue mobility, and thermodynamic stability) indicates that this missense variant is not expected to disrupt SLC36A2 protein function with a negative predictive value of 80%. In summary, the available evidence is currently insufficient to determine the role of this variant in disease. Therefore, it has been classified as a Variant of Uncertain Significance.